The following is an entry in ClinVar:

NM_001111.5(ADAR):c.1534G>A (p.Ala512Thr)

Gene: ADAR (adenosine deaminase RNA specific; minus strand). Cytogenetic location: 1q21.3.
Variant type: single nucleotide variant.
Coding change: c.1534G>A on transcript NM_001111.5 (MANE Select); coding-DNA position 1534, G replaced by A.
Protein change: p.Ala512Thr; replaces alanine 512 with threonine.
Molecular consequence: missense variant.
Genome position (GRCh38, 1-based): chr1:154,601,108, C>T on the plus strand (G>A on the coding strand, the complement: ADAR is on the minus strand). VCF-style: chr1-154601108-C-T. GRCh37 (hg19) VCF-style: chr1-154573584-C-T.
Other names: c.649G>A, p.Ala217Thr (NM_001025107.3, NM_001193495.2, NM_001365046.1 and 3 more transcripts); c.1561G>A, p.Ala521Thr (NM_001365045.1); c.1534G>A, p.Ala512Thr (NM_015840.4, NM_015841.4); short protein forms A217T, A512T, A521T.
Identifiers: ClinVar variation 1461583 (VCV001461583.8), dbSNP rs2101637881, ClinGen allele CA342596062.

ClinVar aggregate classification (germline): Uncertain significance (1 of 4 stars; one submission).

Conditions:
Symmetrical dyschromatosis of extremities (DSH). Also called: RETICULATE ACROPIGMENTATION OF DOHI; DYSCHROMATOSIS SYMMETRICA HEREDITARIA 1; SYMMETRIC DYSCHROMATOSIS OF THE EXTREMITIES; Dyschromatosis symmetrica hereditaria. Identifiers: Orphanet 41, MedGen C0406775, MONDO:0007483, OMIM 127400.
Aicardi-Goutieres syndrome 6 (AGS6). Identifiers: Orphanet 51, MedGen C3539013, MONDO:0014007, OMIM 615010.

Submission:

Labcorp Genetics (formerly Invitae), Labcorp
Classification: Uncertain significance for Aicardi-Goutieres syndrome 6; Symmetrical dyschromatosis of extremities. Last evaluated: 2021-05-10. Review status: criteria provided, single submitter. Criteria: Invitae Variant Classification Sherloc (09022015). Collection method: clinical testing. Allele origin: germline.
Comment: In summary, the available evidence is currently insufficient to determine the role of this variant in disease. Therefore, it has been classified as a Variant of Uncertain Significance. Algorithms developed to predict the effect of missense changes on protein structure and function (SIFT, PolyPhen-2, Align-GVGD) all suggest that this variant is likely to be tolerated, but these predictions have not been confirmed by published functional studies and their clinical significance is uncertain. This variant has not been reported in the literature in individuals with ADAR-related conditions. This variant is not present in population databases (ExAC no frequency). This sequence change replaces alanine with threonine at codon 512 of the ADAR protein (p.Ala512Thr). The alanine residue is moderately conserved and there is a small physicochemical difference between alanine and threonine.